The following is an entry in ClinVar:

ClinVar aggregate classification (germline): Conflicting classifications of pathogenicity. Review status: criteria provided, conflicting classifications (1 of 4 stars). 16 submissions from 16 submitters: Uncertain significance (1); Benign (3); Likely benign (8). 4 of the submissions do not count toward it. Last evaluated 2026-02-03.

Conditions:
SMAD4-related disorder. Also called: SMAD4-Related disorders; SMAD4-related condition.
Familial thoracic aortic aneurysm and aortic dissection (TAAD). Also called: Thoracic aortic aneurysms and dissections. Identifiers: Orphanet 91387, MedGen C4707243, MONDO:0019625.
Hereditary cancer-predisposing syndrome. Also called: Tumor predisposition; Hereditary neoplastic syndrome; Hereditary Cancer Syndrome; Neoplastic Syndromes, Hereditary. Identifiers: Orphanet 140162, MedGen C0027672, MeSH D009386, MONDO:0015356.
Juvenile polyposis syndrome (JPS). Identifiers: Orphanet 2929, MedGen C0345893, MONDO:0017380, OMIM 174900.
Juvenile polyposis/hereditary hemorrhagic telangiectasia syndrome (JPHT). Also called: Juvenile Polyposis Syndrome / Hereditary Hemorrhagic Telangiectasia (JPS/HHT); POLYPOSIS, GENERALIZED JUVENILE, WITH PULMONARY ARTERIOVENOUS MALFORMATION; TELANGIECTASIA, HEREDITARY HEMORRHAGIC, WITH JUVENILE POLYPOSIS COLI; JP/HHT SYNDROME; JUVENILE POLYPOSIS WITH HEREDITARY HEMORRHAGIC TELANGIECTASIA. Identifiers: Orphanet 2929, MedGen C1832942, MONDO:0008278, OMIM 175050.

Allele frequency attached by ClinVar (database versions not stated): gnomAD exomes 0.00006 and 0.00013; ExAC 0.00012; 1000 Genomes Project 30x 0.00016; 1000 Genomes Project 0.00020; ESP Exome Variant Server 0.00038; gnomAD 0.00048 and 0.00050; TOPMed 0.00060.
gnomAD v4.1: 160 of 1,610,928 alleles (0.0099%); highest among the groups gnomAD compares: African/African-American, 0.16%; no homozygotes.

Submissions (16):

Labcorp Genetics (formerly Invitae), Labcorp
Classification: Likely benign for Juvenile polyposis syndrome. Last evaluated: 2026-02-03. Review status: criteria provided, single submitter. Criteria: Invitae Variant Classification Sherloc (09022015). Collection method: clinical testing. Allele origin: germline.

CeGaT Center for Human Genetics Tuebingen
Classification: Likely benign. Last evaluated: 2025-12-01. Review status: criteria provided, single submitter. Criteria: CeGaT Center For Human Genetics Tuebingen Variant Classification Criteria Version 2. Collection method: clinical testing. Allele origin: germline. Affected: yes. Observed: 2 variant alleles.
Comment: SMAD4: BS1

Myriad Genetics, Inc.
Classification: Benign for Juvenile polyposis/hereditary hemorrhagic telangiectasia syndrome. Last evaluated: 2025-01-23. Review status: criteria provided, single submitter. Criteria: Myriad Autosomal Dominant, Autosomal Recessive and X-Linked Classification Criteria (2023). Collection method: clinical testing. Allele origin: unknown.
Comment: This variant is considered benign. Homozygosity has been confirmed in one or more individuals. As homozygosity for pathogenic variants in this gene is generally assumed to result in embryonic lethality, this variant is unlikely to be pathogenic. This variant has been observed at a population frequency that is significantly greater than expected given the associated disease prevalence and penetrance.

Mayo Clinic Laboratories, Mayo Clinic
Classification: Likely benign. Last evaluated: 2024-11-08. Review status: criteria provided, single submitter. Criteria: ACMG Guidelines, 2015. Collection method: clinical testing. Allele origin: germline. Observed: 3 variant alleles.
Comment: BS1

Blueprint Genetics
Classification: Likely benign. Last evaluated: 2024-06-20. Review status: criteria provided, single submitter. Criteria: ACMG Guidelines, 2015. Collection method: clinical testing. Allele origin: germline.

Quest Diagnostics Nichols Institute San Juan Capistrano
Classification: Benign. Last evaluated: 2023-11-21. Review status: criteria provided, single submitter. Criteria: Quest Diagnostics criteria. Collection method: clinical testing. Allele origin: unknown.

Institute for Clinical Genetics, University Hospital TU Dresden, University Hospital TU Dresden
Classification: Uncertain significance. Last evaluated: 2021-11-03. Review status: criteria provided, single submitter. Criteria: ACMG Guidelines, 2015. Collection method: clinical testing. Allele origin: germline.

GeneDx
Classification: Likely benign. Last evaluated: 2021-03-23. Review status: criteria provided, single submitter. Criteria: GeneDx Variant Classification Process June 2021. Collection method: clinical testing. Allele origin: germline. Affected: yes.
Comment: This variant is associated with the following publications: (PMID: 24728327, 25980754, 22843233)

Sema4
Classification: Likely benign for Hereditary cancer-predisposing syndrome. Last evaluated: 2021-01-11. Review status: criteria provided, single submitter. Criteria: Sema4 Curation Guidelines. Collection method: curation. Allele origin: germline.

Color Diagnostics, LLC DBA Color Health
Classification: Likely benign for Hereditary cancer-predisposing syndrome. Last evaluated: 2020-03-21. Review status: criteria provided, single submitter. Criteria: ACMG Guidelines, 2015. Collection method: clinical testing. Allele origin: germline.

Women's Health and Genetics/Laboratory Corporation of America, LabCorp
Classification: Benign. Last evaluated: 2019-05-24. Review status: criteria provided, single submitter. Criteria: LabCorp Variant Classification Summary - May 2015. Collection method: clinical testing. Allele origin: germline.
Comment: Variant summary: SMAD4 c.880A>G (p.Met294Val) results in a conservative amino acid change in the encoded protein sequence. Three of five in-silico tools predict a benign effect of the variant on protein function. The variant allele was found at a frequency of 0.00017 in 282090 control chromosomes, predominantly at a frequency of 0.0016 within the African or African-American subpopulation in the gnomAD database. The observed variant frequency within African or African-American control individuals in the gnomAD database is approximately 800 fold of the estimated maximal expected allele frequency for a pathogenic variant in SMAD4 causing Juvenile Polyposis Syndrome phenotype (2e-06), strongly suggesting that the variant is a benign polymorphism found primarily in populations of African or African-American origin. The variant, c.880A>G, was reported in one patient who underwent genetics testing for Lynch syndrome, however without strong evidence for pathogenicity (Yurgelun_2015). The report does not provide unequivocal conclusions about association of the variant with Juvenile Polyposis Syndrome. To our knowledge, no experimental evidence demonstrating an impact on protein function has been reported. Six ClinVar submissions from clinical diagnostic laboratories (evaluation after 2014) cite the variant three times as likely benign and three times as uncertain significance. Based on the evidence outlined above, the variant was classified as benign.

Ambry Genetics
Classification: Likely benign for Hereditary cancer-predisposing syndrome; Familial thoracic aortic aneurysm and aortic dissection. Last evaluated: 2018-12-31. Review status: criteria provided, single submitter. Criteria: Ambry Variant Classification Scheme 2023. Collection method: clinical testing. Allele origin: germline.

Genetic Services Laboratory, University of Chicago
Classification: Likely benign. Last evaluated: 2022-05-12. Review status: no assertion criteria provided. Collection method: clinical testing. Allele origin: germline. Affected: no. Not counted in ClinVar's aggregate classification.

PreventionGenetics, part of Exact Sciences
Classification: Likely benign for SMAD4-related condition. Last evaluated: 2021-02-03. Review status: no assertion criteria provided. Collection method: clinical testing. Allele origin: germline. Not counted in ClinVar's aggregate classification.
Comment: This variant is classified as likely benign based on ACMG/AMP sequence variant interpretation guidelines (Richards et al. 2015 PMID: 25741868, with internal and published modifications).

Counsyl
Classification: Likely benign for Juvenile polyposis syndrome. Last evaluated: 2018-04-27. Review status: no assertion criteria provided. Collection method: clinical testing. Allele origin: unknown. Not counted in ClinVar's aggregate classification.

ITMI
No classification provided. Condition: AllHighlyPenetrant. Last evaluated: 2013-09-19. Review status: no classification provided. Collection method: reference population. Allele origin: germline. Not counted in ClinVar's aggregate classification.
Comment: Please see associated publication for description of ethnicities

Literature cited by the submitters: PubMed 36158166 (cited by Quest Diagnostics Nichols Institute San Juan Capistrano); PubMed 35534704 (cited by Quest Diagnostics Nichols Institute San Juan Capistrano); PubMed 36243179 (cited by Quest Diagnostics Nichols Institute San Juan Capistrano); PubMed 22843233 (cited by Quest Diagnostics Nichols Institute San Juan Capistrano and Counsyl); PubMed 24728327 (cited by 3 submitters); PubMed 25980754 (cited by 3 submitters); PubMed 21153778 (cited by Counsyl).

NM_005359.6(SMAD4):c.880A>G (p.Met294Val)

Gene: SMAD4 (SMAD family member 4; plus strand). Cytogenetic location: 18q21.2.
Variant type: single nucleotide variant.
Coding change: c.880A>G on transcript NM_005359.6 (MANE Select); coding-DNA position 880, A replaced by G.
Protein change: p.Met294Val; replaces methionine 294 with valine.
Molecular consequence: missense variant.
Genome position (GRCh38, 1-based): chr18:51,058,432, A>G. VCF-style: chr18-51058432-A-G. GRCh37 (hg19) VCF-style: chr18-48584802-A-G.
Other names: short protein forms M294V.
Identifiers: ClinVar variation 135244 (VCV000135244.49), dbSNP rs7238500, ClinGen allele CA162131.